The following is an entry in ClinVar:

NM_005045.4(RELN):c.8864G>A (p.Arg2955His)

Genes: RELN (reelin; minus strand), SLC26A5-AS1 (SLC26A5 antisense RNA 1; plus strand). Cytogenetic location: 7q22.1.
Variant type: single nucleotide variant.
Coding change: c.8864G>A on transcript NM_005045.4 (MANE Select); coding-DNA position 8864, G replaced by A.
Protein change: p.Arg2955His; replaces arginine 2955 with histidine.
Molecular consequence: missense variant.
Genome position (GRCh38, 1-based): chr7:103,497,906, C>T on the plus strand (G>A on the coding strand, the complement: RELN is on the minus strand). VCF-style: chr7-103497906-C-T. GRCh37 (hg19) VCF-style: chr7-103138353-C-T.
Other names: c.8864G>A, p.Arg2955His (NM_173054.3); short protein forms R2955H.
Identifiers: ClinVar variation 1960925 (VCV001960925.5), dbSNP rs2484702717, ClinGen allele CA368752807.

ClinVar aggregate classification (germline): Uncertain significance (1 of 4 stars; one submission).

Conditions:
Norman-Roberts syndrome (LIS2). Also called: Lissencephaly 2 (Norman-Roberts type). Identifiers: Orphanet 89844, MedGen C0796089, MONDO:0009760, OMIM 257320.
Familial temporal lobe epilepsy 7. Identifiers: Orphanet 101046, MedGen C4225327, MONDO:0014639, OMIM 616436.

gnomAD v4.1: 2 of 1,614,078 alleles (0.00012%); highest among the groups gnomAD compares: Non-Finnish European, 0.00017%; no homozygotes.

Submission:

Labcorp Genetics (formerly Invitae), Labcorp
Classification: Uncertain significance for Familial temporal lobe epilepsy 7; Norman-Roberts syndrome. Last evaluated: 2022-08-23. Review status: criteria provided, single submitter. Criteria: Invitae Variant Classification Sherloc (09022015). Collection method: clinical testing. Allele origin: germline.
Comment: This sequence change replaces arginine, which is basic and polar, with histidine, which is basic and polar, at codon 2955 of the RELN protein (p.Arg2955His). This variant is not present in population databases (gnomAD no frequency). This variant has not been reported in the literature in individuals affected with RELN-related conditions. Algorithms developed to predict the effect of missense changes on protein structure and function are either unavailable or do not agree on the potential impact of this missense change (SIFT: "Deleterious"; PolyPhen-2: "Probably Damaging"; Align-GVGD: "Class C0"). In summary, the available evidence is currently insufficient to determine the role of this variant in disease. Therefore, it has been classified as a Variant of Uncertain Significance.